The following is an entry in ClinVar:

ClinVar aggregate classification (germline): Conflicting classifications of pathogenicity. Review status: criteria provided, conflicting classifications (1 of 4 stars). 7 submissions from 7 submitters: Uncertain significance (6); Likely benign (1). Last evaluated 2026-03-24.

Conditions:
Hereditary breast ovarian cancer syndrome. Also called: Hereditary breast and ovarian cancer syndrome; Hereditary breast and/or ovarian cancer syndrome; Hereditary breast and ovarian cancer; Hereditary breast and ovarian cancer syndrome (HBOC); BRCA1- and BRCA2-Associated Hereditary Breast and Ovarian Cancer; Breast and ovarian cancer. Identifiers: Orphanet 145, MedGen C0677776, MeSH D061325, MONDO:0003582. Disease mechanism: loss of function.
Breast-ovarian cancer, familial, susceptibility to, 1 (BROVCA1). Also called: BRCA1 Hereditary Breast and Ovarian Cancer; OVARIAN CANCER, SUSCEPTIBILITY TO. Identifiers: Orphanet 145, MedGen C2676676, MONDO:0011450, OMIM 604370. Disease mechanism: loss of function.
Hereditary cancer-predisposing syndrome. Also called: Hereditary Cancer Syndrome; Tumor predisposition; Hereditary neoplastic syndrome; Neoplastic Syndromes, Hereditary. Identifiers: Orphanet 140162, MedGen C0027672, MeSH D009386, MONDO:0015356.

Submissions (7):

Women's Health and Genetics/Laboratory Corporation of America, LabCorp
Classification: Uncertain significance. Last evaluated: 2026-03-24. Review status: criteria provided, single submitter. Criteria: LabCorp Variant Classification Summary - May 2015. Collection method: clinical testing. Allele origin: germline.
Comment: Variant summary: BRCA1 c.2075A>C (p.His692Pro) results in a non-conservative amino acid change in the encoded protein sequence. Algorithms developed to predict the effect of missense changes on protein structure and function are either unavailable or do not agree on the potential impact of this missense change. The variant was absent in 251188 control chromosomes. The available data on variant occurrences in the general population are insufficient to allow any conclusion about variant significance. c.2075A>C has been observed in individual(s) affected with HBOC and Prostate Cancer, without strong evidence for causality (Chrysafi_2023, Leongamornlert_2012). These report(s) do not provide unequivocal conclusions about association of the variant with HBOC. To our knowledge, no experimental evidence demonstrating an impact on protein function has been reported. The following publications have been ascertained in the context of this evaluation (PMID: 38136308, 22516946). ClinVar contains an entry for this variant (Variation ID: 872254). Based on the evidence outlined above, the variant was classified as uncertain significance.

Ambry Genetics
Classification: Uncertain significance for Hereditary cancer-predisposing syndrome. Last evaluated: 2024-09-09. Review status: criteria provided, single submitter. Criteria: Ambry Variant Classification Scheme 2023. Collection method: clinical testing. Allele origin: germline.
Comment: The p.H692P variant (also known as c.2075A>C), located in coding exon 9 of the BRCA1 gene, results from an A to C substitution at nucleotide position 2075. The histidine at codon 692 is replaced by proline, an amino acid with similar properties. This alteration was identified in an individual diagnosed with prostate cancer (Leongamornlert D et al. Br J Cancer, 2012 May;106:1697-701). This amino acid position is poorly conserved in available vertebrate species. In addition, the in silico prediction for this alteration is inconclusive. Based on the available evidence, the clinical significance of this variant remains unclear.

Labcorp Genetics (formerly Invitae), Labcorp
Classification: Uncertain significance for Hereditary breast ovarian cancer syndrome. Last evaluated: 2024-08-14. Review status: criteria provided, single submitter. Criteria: Invitae Variant Classification Sherloc (09022015). Collection method: clinical testing. Allele origin: germline.
Comment: This sequence change replaces histidine, which is basic and polar, with proline, which is neutral and non-polar, at codon 692 of the BRCA1 protein (p.His692Pro). This variant is not present in population databases (gnomAD no frequency). This variant has not been reported in the literature in individuals affected with BRCA1-related conditions. ClinVar contains an entry for this variant (Variation ID: 872254). Invitae Evidence Modeling of protein sequence and biophysical properties (such as structural, functional, and spatial information, amino acid conservation, physicochemical variation, residue mobility, and thermodynamic stability) indicates that this missense variant is not expected to disrupt BRCA1 protein function with a negative predictive value of 95%. In summary, the available evidence is currently insufficient to determine the role of this variant in disease. Therefore, it has been classified as a Variant of Uncertain Significance.

All of Us Research Program, National Institutes of Health
Classification: Uncertain significance for Breast-ovarian cancer, familial, susceptibility to, 1. Last evaluated: 2024-01-08. Review status: criteria provided, single submitter. Criteria: ACMG Guidelines, 2015. Collection method: clinical testing. Allele origin: germline. Inheritance: Autosomal dominant inheritance. Observed: 1 variant allele, 1 heterozygote.
Comment: This missense variant replaces histidine with proline at codon 692 of the BRCA1 protein. Computational prediction is inconclusive regarding the impact of this variant on protein structure and function (internally defined REVEL score threshold 0.5 < inconclusive < 0.7, PMID: 27666373). To our knowledge, functional studies have not been reported for this variant. This variant has been reported in an individual affected with prostate cancer and in a multifactorial analysis with a likelihood ratio for pathogenicity based on personal and family history of approximately 0.422 (PMID: 22516946, 31853058). This variant has not been identified in the general population by the Genome Aggregation Database (gnomAD). The available evidence is insufficient to determine the role of this variant in disease conclusively. Therefore, this variant is classified as a Variant of Uncertain Significance.

This study involves interpretation of variants in research participants for the purpose of population health screening. Participant phenotype was not available at the time of variant classification. Additional details can be found in publication PMID: 35346344, PMCID: PMC8962531

Color Diagnostics, LLC DBA Color Health
Classification: Uncertain significance for Hereditary cancer-predisposing syndrome. Last evaluated: 2023-11-03. Review status: criteria provided, single submitter. Criteria: ACMG Guidelines, 2015. Collection method: clinical testing. Allele origin: germline.
Comment: This missense variant replaces histidine with proline at codon 692 of the BRCA1 protein. Computational prediction is inconclusive regarding the impact of this variant on protein structure and function (internally defined REVEL score threshold 0.5 < inconclusive < 0.7, PMID: 27666373). To our knowledge, functional studies have not been reported for this variant. This variant has been reported in an individual affected with prostate cancer and in a multifactorial analysis with a likelihood ratio for pathogenicity based on personal and family history of approximately 0.422 (PMID: 22516946, 31853058). This variant has not been identified in the general population by the Genome Aggregation Database (gnomAD). The available evidence is insufficient to determine the role of this variant in disease conclusively. Therefore, this variant is classified as a Variant of Uncertain Significance.

University of Washington Department of Laboratory Medicine, University of Washington
Classification: Likely benign for Hereditary cancer-predisposing syndrome. Last evaluated: 2023-03-23. Review status: criteria provided, single submitter. Criteria: Dines et al. (Genet Med. 2020). Collection method: curation. Allele origin: germline.
Comment: Missense variant in a coldspot region where missense variants are very unlikely to be pathogenic (PMID:31911673).

BRCA1 coldspot (exon 11 using historical exon numbering). Reclassification based on statistical prior probability

CeGaT Center for Human Genetics Tuebingen
Classification: Uncertain significance. Last evaluated: 2020-01-01. Review status: criteria provided, single submitter. Criteria: CeGaT Center For Human Genetics Tuebingen Variant Classification Criteria Version 2. Collection method: clinical testing. Allele origin: germline. Affected: yes. Observed: 1 variant allele.

Literature cited by the submitters: PubMed 22516946 (cited by 4 submitters); PubMed 38136308 (cited by Women's Health and Genetics/Laboratory Corporation of America, LabCorp); PubMed 31853058 (cited by All of Us Research Program, National Institutes of Health and Color Diagnostics, LLC DBA Color Health).

NM_007294.4(BRCA1):c.2075A>C (p.His692Pro)

Gene: BRCA1 (BRCA1 DNA repair associated; minus strand). Cytogenetic location: 17q21.31.
Variant type: single nucleotide variant.
Coding change: c.2075A>C on transcript NM_007294.4 (MANE Select); coding-DNA position 2075, A replaced by C.
Protein change: p.His692Pro; replaces histidine 692 with proline.
Molecular consequence: missense variant. On other transcripts: intron variant (137).
Genome position (GRCh38, 1-based): chr17:43,093,456, T>G on the plus strand (A>C on the coding strand, the complement: BRCA1 is on the minus strand). VCF-style: chr17-43093456-T-G. GRCh37 (hg19) VCF-style: chr17-41245473-T-G.
Other names: c.1862A>C, p.His621Pro (NM_001407571.1, NM_001407915.1, NM_001407916.1 and 9 more transcripts); c.2075A>C, p.His692Pro (NM_001407581.1, NM_001407582.1, NM_001407583.1 and 30 more transcripts); c.2072A>C, p.His691Pro (NM_001407587.1, NM_001407590.1, NM_001407591.1 and 22 more transcripts); c.2066A>C, p.His689Pro (NM_001407646.1, NM_001407647.1); c.1952A>C, p.His651Pro (NM_001407648.1, NM_001407664.1, NM_001407665.1 and 19 more transcripts); c.1994A>C, p.His665Pro (NM_001407661.1, NM_001407662.1, NM_001407659.1 and 1 more transcripts); c.1997A>C, p.His666Pro (NM_001407663.1, NM_001407653.1, NM_001407654.1 and 4 more transcripts); c.1949A>C, p.His650Pro (NM_001407685.1, NM_001407686.1, NM_001407687.1 and 11 more transcripts); and 40 more; short protein forms H645P, H692P, H621P, H650P, H565P, H603P, H622P, H644P.
Identifiers: ClinVar variation 872254 (VCV000872254.57), dbSNP rs2053831947, ClinGen allele CA10597852.